The following is an entry in ClinVar:

ClinVar aggregate classification (germline): Uncertain significance (1 of 4 stars; one submission).

Conditions:
Catecholaminergic polymorphic ventricular tachycardia 1. Also called: VENTRICULAR TACHYCARDIA, CATECHOLAMINERGIC POLYMORPHIC, 1, WITH OR WITHOUT ATRIAL DYSFUNCTION AND/OR DILATED CARDIOMYOPATHY; RYR2-Related Catecholaminergic Polymorphic Ventricular Tachycardia; VENTRICULAR TACHYCARDIA, STRESS-INDUCED POLYMORPHIC 1. Identifiers: Orphanet 3286, MedGen C1631597, MONDO:0011484, OMIM 604772.

Submission:

Labcorp Genetics (formerly Invitae), Labcorp
Classification: Uncertain significance for Catecholaminergic polymorphic ventricular tachycardia 1. Last evaluated: 2025-02-07. Review status: criteria provided, single submitter. Criteria: Invitae Variant Classification Sherloc (09022015). Collection method: clinical testing. Allele origin: germline.
Comment: This sequence change replaces lysine, which is basic and polar, with glutamine, which is neutral and polar, at codon 3282 of the RYR2 protein (p.Lys3282Gln). This variant is not present in population databases (gnomAD no frequency). This variant has not been reported in the literature in individuals affected with RYR2-related conditions. Invitae Evidence Modeling of protein sequence and biophysical properties (such as structural, functional, and spatial information, amino acid conservation, physicochemical variation, residue mobility, and thermodynamic stability) indicates that this missense variant is not expected to disrupt RYR2 protein function with a negative predictive value of 95%. In summary, the available evidence is currently insufficient to determine the role of this variant in disease. Therefore, it has been classified as a Variant of Uncertain Significance.

NM_001035.3(RYR2):c.9844A>C (p.Lys3282Gln)

Gene: RYR2 (ryanodine receptor 2; plus strand). Cytogenetic location: 1q43.
Variant type: single nucleotide variant.
Coding change: c.9844A>C on transcript NM_001035.3 (MANE Select); coding-DNA position 9844, A replaced by C.
Protein change: p.Lys3282Gln; replaces lysine 3282 with glutamine.
Molecular consequence: missense variant.
Genome position (GRCh38, 1-based): chr1:237,707,212, A>C. VCF-style: chr1-237707212-A-C. GRCh37 (hg19) VCF-style: chr1-237870512-A-C.
Other names: short protein forms K3282Q.
Identifiers: ClinVar variation 3633822 (VCV003633822.2).